The following is an entry in ClinVar:

ClinVar aggregate classification (germline): Uncertain significance. Review status: criteria provided, multiple submitters, no conflicts (2 of 4 stars). 2 submissions from 2 submitters: Uncertain significance (2). Last evaluated 2024-01-24.

Conditions:
Atrioventricular septal defect 4 (AVSD4). Identifiers: MedGen C3280781, MONDO:0013747, OMIM 614430.

Allele frequency attached by ClinVar (database versions not stated): TOPMed below 0.00001; gnomAD 0.00001.

Submissions (2):

GeneDx
Classification: Uncertain significance. Last evaluated: 2024-01-24. Review status: criteria provided, single submitter. Criteria: GeneDx Variant Classification Process June 2021. Collection method: clinical testing. Allele origin: germline. Affected: yes.
Comment: Not observed at significant frequency in large population cohorts (gnomAD); In silico analysis supports that this missense variant does not alter protein structure/function; Has not been previously published as pathogenic or benign to our knowledge

Labcorp Genetics (formerly Invitae), Labcorp
Classification: Uncertain significance for Atrioventricular septal defect 4. Last evaluated: 2023-05-15. Review status: criteria provided, single submitter. Criteria: Invitae Variant Classification Sherloc (09022015). Collection method: clinical testing. Allele origin: germline.
Comment: This sequence change replaces glycine, which is neutral and non-polar, with valine, which is neutral and non-polar, at codon 69 of the GATA4 protein (p.Gly69Val). This variant is not present in population databases (gnomAD no frequency). This variant has not been reported in the literature in individuals affected with GATA4-related conditions. ClinVar contains an entry for this variant (Variation ID: 664941). Advanced modeling of protein sequence and biophysical properties (such as structural, functional, and spatial information, amino acid conservation, physicochemical variation, residue mobility, and thermodynamic stability) performed at Invitae indicates that this missense variant is not expected to disrupt GATA4 protein function. In summary, the available evidence is currently insufficient to determine the role of this variant in disease. Therefore, it has been classified as a Variant of Uncertain Significance.

NM_001308093.3(GATA4):c.206G>T (p.Gly69Val)

Gene: GATA4 (GATA binding protein 4). Cytogenetic location: 8p23.1.
Variant type: single nucleotide variant.
Coding change: c.206G>T on transcript NM_001308093.3 (MANE Select); coding-DNA position 206, G replaced by T.
Protein change: p.Gly69Val; replaces glycine 69 with valine.
Molecular consequence: missense variant. On other transcripts: intron variant (3).
Genome position (GRCh38, 1-based): chr8:11,708,518, G>T. VCF-style: chr8-11708518-G-T. GRCh37 (hg19) VCF-style: chr8-11566027-G-T.
Other names: c.206G>T, p.Gly69Val (NM_002052.5); c.-6+7740G>T (NM_001308094.2); c.-3+504G>T (NM_001374274.1); c.-3+4214G>T (NM_001374273.1); short protein forms G69V.
Identifiers: ClinVar variation 664941 (VCV000664941.9), dbSNP rs938776629, ClinGen allele CA172074637.